The following is an entry in ClinVar:

NM_001080442.3(SLC38A8):c.954-4C>T

Gene: SLC38A8 (solute carrier family 38 member 8; minus strand). Cytogenetic location: 16q23.3.
Variant type: single nucleotide variant.
Coding change: c.954-4C>T on transcript NM_001080442.3 (MANE Select); 4 bases into the intron before coding-DNA position 954, C replaced by T.
Molecular consequence: intron variant.
Genome position (GRCh38, 1-based): chr16:84,016,731, G>A on the plus strand (C>T on the coding strand, the complement: SLC38A8 is on the minus strand). VCF-style: chr16-84016731-G-A. GRCh37 (hg19) VCF-style: chr16-84050336-G-A.
Other names: c.954-4C>T (NM_001080442.2).
Identifiers: ClinVar variation 2046075 (VCV002046075.7), dbSNP rs200390359, ClinGen allele CA8199864.

ClinVar aggregate classification (germline): Likely benign. Review status: criteria provided, multiple submitters, no conflicts (2 of 4 stars). 3 submissions from 3 submitters: Likely benign (2). 1 of the submissions does not count toward it. Last evaluated 2025-05-12.

Conditions:
SLC38A8-related disorder. Also called: SLC38A8-related condition.

Allele frequency attached by ClinVar (database versions not stated): 1000 Genomes Project 0.00020; 1000 Genomes Project 30x 0.00031; ESP Exome Variant Server 0.00046; TOPMed 0.00049; gnomAD 0.00054.
gnomAD v4.1: 1,225 of 1,610,898 alleles (0.076%); highest among the groups gnomAD compares: Non-Finnish European, 0.099%; no homozygotes.

Submissions (3):

Labcorp Genetics (formerly Invitae), Labcorp
Classification: Likely benign. Last evaluated: 2025-05-12. Review status: criteria provided, single submitter. Criteria: Invitae Variant Classification Sherloc (09022015). Collection method: clinical testing. Allele origin: germline.

Blueprint Genetics
Classification: Likely benign. Last evaluated: 2024-11-19. Review status: criteria provided, single submitter. Criteria: ACMG Guidelines, 2015. Collection method: clinical testing. Allele origin: germline.

PreventionGenetics, part of Exact Sciences
Classification: Likely benign for SLC38A8-related condition. Last evaluated: 2019-08-29. Review status: no assertion criteria provided. Collection method: clinical testing. Allele origin: germline. Not counted in ClinVar's aggregate classification.
Comment: This variant is classified as likely benign based on ACMG/AMP sequence variant interpretation guidelines (Richards et al. 2015 PMID: 25741868, with internal and published modifications).